The following is an entry in ClinVar:

NM_006231.4(POLE):c.6054T>A (p.Ser2018Arg)

Gene: POLE (DNA polymerase epsilon, catalytic subunit; minus strand). Cytogenetic location: 12q24.33.
Variant type: single nucleotide variant.
Coding change: c.6054T>A on transcript NM_006231.4 (MANE Select); coding-DNA position 6054, T replaced by A.
Protein change: p.Ser2018Arg; replaces serine 2018 with arginine.
Molecular consequence: missense variant.
Genome position (GRCh38, 1-based): chr12:132,632,746, A>T on the plus strand (T>A on the coding strand, the complement: POLE is on the minus strand). VCF-style: chr12-132632746-A-T. GRCh37 (hg19) VCF-style: chr12-133209332-A-T.
Other names: c.6054T>A (NM_006231.2); short protein forms S2018R.
Identifiers: ClinVar variation 1720825 (VCV001720825.6), dbSNP rs2541856070, ClinGen allele CA387370729.
Genomic context (GRCh38, chr12:132,632,746, plus strand): 5'-CTCGGCCTCCTGGGAGAGCTGGCTGGCCCCCCTCCTCCTCACGGGGGTGCTCCCTGGAGC[A>T]CTGCGCCTCAGCCCGTCCTTCATGCAGTGGTACACGGCCACGATGTACGCTGTGGAGAGG-3'
Protein context (NP_006222.2, residues 2008-2028): YHCMKDGLRR[Ser2018Arg]APGSTPVRRR

ClinVar aggregate classification (germline): Uncertain significance. Review status: criteria provided, multiple submitters, no conflicts (2 of 4 stars). 2 submissions from 2 submitters: Uncertain significance (2). Last evaluated 2026-01-03.

Conditions:
Hereditary cancer-predisposing syndrome. Also called: Tumor predisposition; Hereditary Cancer Syndrome; Hereditary neoplastic syndrome; Neoplastic Syndromes, Hereditary. Identifiers: Orphanet 140162, MedGen C0027672, MeSH D009386, MONDO:0015356.

Submissions (2):

Ambry Genetics
Classification: Uncertain significance for Hereditary cancer-predisposing syndrome. Last evaluated: 2026-01-03. Review status: criteria provided, single submitter. Criteria: Ambry Variant Classification Scheme 2023. Collection method: clinical testing. Allele origin: germline.
Comment: The p.S2018R variant (also known as c.6054T>A), located in coding exon 44 of the POLE gene, results from a T to A substitution at nucleotide position 6054. The serine at codon 2018 is replaced by arginine, an amino acid with dissimilar properties. This amino acid position is conserved. In addition, this alteration is predicted to be tolerated by in silico analysis. Based on the available evidence, the clinical significance of this variant remains unclear.

Labcorp Genetics (formerly Invitae), Labcorp
Classification: Uncertain significance. Last evaluated: 2022-10-02. Review status: criteria provided, single submitter. Criteria: Invitae Variant Classification Sherloc (09022015). Collection method: clinical testing. Allele origin: germline.
Comment: In summary, the available evidence is currently insufficient to determine the role of this variant in disease. Therefore, it has been classified as a Variant of Uncertain Significance. Advanced modeling of protein sequence and biophysical properties (such as structural, functional, and spatial information, amino acid conservation, physicochemical variation, residue mobility, and thermodynamic stability) performed at Invitae indicates that this missense variant is not expected to disrupt POLE protein function. This variant has not been reported in the literature in individuals affected with POLE-related conditions. This variant is not present in population databases (gnomAD no frequency). This sequence change replaces serine, which is neutral and polar, with arginine, which is basic and polar, at codon 2018 of the POLE protein (p.Ser2018Arg).